The following is an entry in ClinVar:

ClinVar aggregate classification (germline): Conflicting classifications of pathogenicity. Review status: criteria provided, conflicting classifications (1 of 4 stars). 3 submissions from 3 submitters: Uncertain significance (1); Likely benign (2). Last evaluated 2025-10-01.

Allele frequency attached by ClinVar (database versions not stated): gnomAD 0.00006; gnomAD exomes 0.00024 and 0.00051; TOPMed 0.00025; ExAC 0.00041.
gnomAD v4.1: 156 of 1,613,924 alleles (0.0097%); highest among the groups gnomAD compares: Admixed American, 0.25%; no homozygotes.

Submissions (3):

Labcorp Genetics (formerly Invitae), Labcorp
Classification: Likely benign. Last evaluated: 2025-10-01. Review status: criteria provided, single submitter. Criteria: Invitae Variant Classification Sherloc (09022015). Collection method: clinical testing. Allele origin: germline.

Mayo Clinic Laboratories, Mayo Clinic
Classification: Uncertain significance. Last evaluated: 2025-09-18. Review status: criteria provided, single submitter. Criteria: ACMG Guidelines, 2015. Collection method: clinical testing. Allele origin: germline. Observed: 3 variant alleles.
Comment: BP4_moderate

Breakthrough Genomics
Classification: Likely benign. Review status: criteria provided, single submitter. Criteria: ACMG Guidelines, 2015. Collection method: not provided. Allele origin: germline. Inheritance: Autosomal recessive inheritance. Affected: yes.

NM_003906.5(MCM3AP):c.4319C>T (p.Ala1440Val)

Genes: MCM3AP (minichromosome maintenance complex component 3 associated protein; minus strand), MCM3AP-AS1 (MCM3AP antisense RNA 1; plus strand). Cytogenetic location: 21q22.3.
Variant type: single nucleotide variant.
Coding change: c.4319C>T on transcript NM_003906.5 (MANE Select); coding-DNA position 4319, C replaced by T.
Protein change: p.Ala1440Val; replaces alanine 1440 with valine.
Molecular consequence: missense variant.
Genome position (GRCh38, 1-based): chr21:46,246,858, G>A on the plus strand (C>T on the coding strand, the complement: MCM3AP is on the minus strand). VCF-style: chr21-46246858-G-A. GRCh37 (hg19) VCF-style: chr21-47666772-G-A.
Other names: p.Ala1440Val; short protein forms A1440V.
Identifiers: ClinVar variation 1665246 (VCV001665246.11), dbSNP rs771441002, ClinGen allele CA10076151.